The following is an entry in ClinVar:

ClinVar aggregate classification (germline): Uncertain significance (1 of 4 stars; one submission).

Allele frequency attached by ClinVar (database versions not stated): ExAC 0.00001; gnomAD exomes 0.00001 and 0.00002; TOPMed 0.00001.
gnomAD v4.1: 22 of 1,613,064 alleles (0.0014%); highest among the groups gnomAD compares: Middle Eastern, 0.016%; no homozygotes.

Submission:

Labcorp Genetics (formerly Invitae), Labcorp
Classification: Uncertain significance. Last evaluated: 2025-07-30. Review status: criteria provided, single submitter. Criteria: Invitae Variant Classification Sherloc (09022015). Collection method: clinical testing. Allele origin: germline.
Comment: The COL18A1 gene has multiple clinically relevant transcripts. This variant occurs in alternate transcript NM_030582.4, and corresponds to NM_130445.2:c.107-12347G>A in the primary transcript. This sequence change replaces arginine, which is basic and polar, with glutamine, which is neutral and polar, at codon 122 of the COL18A1 protein (p.Arg122Gln). This variant is present in population databases (rs745610940, gnomAD 0.007%). This variant has not been reported in the literature in individuals affected with COL18A1-related conditions. ClinVar contains an entry for this variant (Variation ID: 1475721). Experimental studies and prediction algorithms are not available or were not evaluated, and the functional significance of this variant is currently unknown. Algorithms developed to predict the effect of sequence changes on RNA splicing suggest that this variant is not likely to affect RNA splicing. In summary, the available evidence is currently insufficient to determine the role of this variant in disease. Therefore, it has been classified as a Variant of Uncertain Significance.

NM_001379500.1(COL18A1):c.107-12347G>A

Gene: COL18A1 (collagen type XVIII alpha 1 chain; plus strand). Cytogenetic location: 21q22.3.
Variant type: single nucleotide variant.
Coding change: c.107-12347G>A on transcript NM_001379500.1 (MANE Select); 12347 bases into the intron before coding-DNA position 107, G replaced by A.
Molecular consequence: intron variant. On other transcripts: missense variant (2).
Genome position (GRCh38, 1-based): chr21:45,455,895, G>A. VCF-style: chr21-45455895-G-A. GRCh37 (hg19) VCF-style: chr21-46875809-G-A.
Other names: c.365G>A, p.Arg122Gln (NM_030582.4, NM_130444.3); short protein forms R122Q.
Identifiers: ClinVar variation 1475721 (VCV001475721.4), dbSNP rs745610940, ClinGen allele CA10065456.